The following is an entry in ClinVar:

ClinVar aggregate classification (germline): Uncertain significance (1 of 4 stars; one submission).

Conditions:
Perlman syndrome (PRLMNS). Identifiers: Orphanet 2849, MedGen C0796113, MONDO:0009965, OMIM 267000.

Allele frequency attached by ClinVar (database versions not stated): gnomAD exomes 0.00001; ExAC 0.00002.
gnomAD v4.1: 5 of 1,614,014 alleles (0.00031%); highest among the groups gnomAD compares: Non-Finnish European, 0.00042%; no homozygotes.

Submission:

Labcorp Genetics (formerly Invitae), Labcorp
Classification: Uncertain significance for Perlman syndrome. Last evaluated: 2023-10-06. Review status: criteria provided, single submitter. Criteria: Invitae Variant Classification Sherloc (09022015). Collection method: clinical testing. Allele origin: germline.
Comment: This sequence change replaces proline, which is neutral and non-polar, with leucine, which is neutral and non-polar, at codon 162 of the DIS3L2 protein (p.Pro162Leu). This variant is present in population databases (rs773744387, gnomAD 0.002%). This variant has not been reported in the literature in individuals affected with DIS3L2-related conditions. ClinVar contains an entry for this variant (Variation ID: 567977). An algorithm developed to predict the effect of missense changes on protein structure and function (PolyPhen-2) suggests that this variant is likely to be disruptive. In summary, the available evidence is currently insufficient to determine the role of this variant in disease. Therefore, it has been classified as a Variant of Uncertain Significance.

NM_152383.5(DIS3L2):c.485C>T (p.Pro162Leu)

Gene: DIS3L2 (DIS3 like 3'-5' exoribonuclease 2; plus strand). Cytogenetic location: 2q37.1.
Variant type: single nucleotide variant.
Coding change: c.485C>T on transcript NM_152383.5 (MANE Select); coding-DNA position 485, C replaced by T.
Protein change: p.Pro162Leu; replaces proline 162 with leucine.
Molecular consequence: missense variant. On other transcripts: non-coding transcript variant (2).
Genome position (GRCh38, 1-based): chr2:232,087,605, C>T. VCF-style: chr2-232087605-C-T. GRCh37 (hg19) VCF-style: chr2-232952315-C-T.
Other names: c.485C>T, p.Pro162Leu (NM_001257281.2, NM_001257282.2); short protein forms P162L.
Identifiers: ClinVar variation 567977 (VCV000567977.9), dbSNP rs773744387, ClinGen allele CA2163833.